The following is an entry in ClinVar:

ClinVar aggregate classification (germline): Uncertain significance (1 of 4 stars; one submission).

Submission:

Labcorp Genetics (formerly Invitae), Labcorp
Classification: Uncertain significance. Last evaluated: 2021-11-09. Review status: criteria provided, single submitter. Criteria: Invitae Variant Classification Sherloc (09022015). Collection method: clinical testing. Allele origin: germline.
Comment: Algorithms developed to predict the effect of missense changes on protein structure and function are either unavailable or do not agree on the potential impact of this missense change (SIFT: "Deleterious"; PolyPhen-2: "Possibly Damaging"; Align-GVGD: "Class C15"). In summary, the available evidence is currently insufficient to determine the role of this variant in disease. Therefore, it has been classified as a Variant of Uncertain Significance. This variant has not been reported in the literature in individuals affected with USH2A-related conditions. This variant is not present in population databases (gnomAD no frequency). This sequence change replaces lysine, which is basic and polar, with methionine, which is neutral and non-polar, at codon 3987 of the USH2A protein (p.Lys3987Met).

NM_206933.4(USH2A):c.11960A>T (p.Lys3987Met)

Gene: USH2A (usherin; minus strand). Cytogenetic location: 1q41.
Variant type: single nucleotide variant.
Coding change: c.11960A>T on transcript NM_206933.4 (MANE Select); coding-DNA position 11960, A replaced by T.
Protein change: p.Lys3987Met; replaces lysine 3987 with methionine.
Molecular consequence: missense variant.
Genome position (GRCh38, 1-based): chr1:215,728,136, T>A on the plus strand (A>T on the coding strand, the complement: USH2A is on the minus strand). VCF-style: chr1-215728136-T-A. GRCh37 (hg19) VCF-style: chr1-215901478-T-A.
Other names: short protein forms K3987M.
Identifiers: ClinVar variation 1502595 (VCV001502595.6), dbSNP rs2102713432, ClinGen allele CA344828054.